The following is an entry in ClinVar:

ClinVar aggregate classification (germline): Benign (1 of 4 stars; one submission).

Allele frequency attached by ClinVar (database versions not stated): gnomAD 0.00011.
gnomAD v4.1: 13 of 123,962 alleles (0.01%); highest among the groups gnomAD compares: East Asian, 0.21%; no homozygotes.

Submission:

CeGaT Center for Human Genetics Tuebingen
Classification: Benign. Last evaluated: 2022-03-01. Review status: criteria provided, single submitter. Criteria: CeGaT Center For Human Genetics Tuebingen Variant Classification Criteria Version 2. Collection method: clinical testing. Allele origin: germline. Affected: yes. Observed: 1 variant allele.
Comment: HRAS: BS1, BS2

NC_000011.10:g.531065G>A

Genes: HRAS (HRas proto-oncogene, GTPase; minus strand), LRRC56 (leucine rich repeat containing 56; plus strand). Cytogenetic location: 11p15.5.
Variant type: single nucleotide variant.
Genome position: GRCh38 VCF-style: chr11-531065-G-A. GRCh37 (hg19) VCF-style: chr11-531065-G-A.
Identifiers: ClinVar variation 2641067 (VCV002641067.24), dbSNP rs1387119420, ClinGen allele CA596788980.